The following is an entry in ClinVar:

NM_001394062.1(MACF1):c.3444G>A (p.Leu1148=)

Gene: MACF1 (microtubule actin crosslinking factor 1; plus strand). Cytogenetic location: 1p34.3.
Variant type: single nucleotide variant.
Coding change: c.3444G>A on transcript NM_001394062.1 (MANE Select); coding-DNA position 3444, G replaced by A.
Protein change: p.Leu1148=; no amino-acid change (leucine 1148 retained).
Molecular consequence: synonymous variant.
Genome position (GRCh38, 1-based): chr1:39,315,686, G>A. VCF-style: chr1-39315686-G-A. GRCh37 (hg19) VCF-style: chr1-39781358-G-A.
Other names: c.3459G>A, p.Leu1153= (NM_012090.5).
Identifiers: ClinVar variation 3051294 (VCV003051294.5), dbSNP rs144057132, ClinGen allele CA779970.

ClinVar aggregate classification (germline): Benign/Likely benign. Review status: criteria provided, multiple submitters, no conflicts (2 of 4 stars). 3 submissions from 3 submitters: Benign (1); Likely benign (1). 1 of the submissions does not count toward it. Last evaluated 2025-02-10.

Conditions:
MACF1-related disorder. Also called: MACF1-related condition.

Allele frequency attached by ClinVar (database versions not stated): gnomAD exomes 0.00003; ExAC 0.00012; ESP Exome Variant Server 0.00023; gnomAD 0.00027; TOPMed 0.00037; 1000 Genomes Project 0.00040; 1000 Genomes Project 30x 0.00062.
gnomAD v4.1: 95 of 1,613,176 alleles (0.0059%); highest among the groups gnomAD compares: African/African-American, 0.084%; 1 homozygote.

Submissions (3):

Labcorp Genetics (formerly Invitae), Labcorp
Classification: Benign. Last evaluated: 2025-02-10. Review status: criteria provided, single submitter. Criteria: Invitae Variant Classification Sherloc (09022015). Collection method: clinical testing. Allele origin: germline.

Blueprint Genetics
Classification: Likely benign. Last evaluated: 2023-10-03. Review status: criteria provided, single submitter. Criteria: ACMG Guidelines, 2015. Collection method: clinical testing. Allele origin: germline.

PreventionGenetics, part of Exact Sciences
Classification: Likely benign for MACF1-related condition. Last evaluated: 2019-03-05. Review status: no assertion criteria provided. Collection method: clinical testing. Allele origin: germline. Not counted in ClinVar's aggregate classification.
Comment: This variant is classified as likely benign based on ACMG/AMP sequence variant interpretation guidelines (Richards et al. 2015 PMID: 25741868, with internal and published modifications).